The following is an entry in ClinVar:

NM_001244926.2(PRPF4):c.52G>A (p.Asp18Asn)

Gene: PRPF4 (pre-mRNA splicing tri-snRNP complex factor PRPF4; plus strand). Cytogenetic location: 9q32.
Variant type: single nucleotide variant.
Coding change: c.52G>A on transcript NM_001244926.2 (MANE Select); coding-DNA position 52, G replaced by A.
Protein change: p.Asp18Asn; replaces aspartic acid 18 with asparagine.
Molecular consequence: missense variant. On other transcripts: 5 prime UTR variant (2), non-coding transcript variant (2).
Genome position (GRCh38, 1-based): chr9:113,276,572, G>A. VCF-style: chr9-113276572-G-A. GRCh37 (hg19) VCF-style: chr9-116038852-G-A.
Other names: c.-714G>A (NM_001322266.2, NM_001322267.2); c.55G>A, p.Asp19Asn (NM_004697.5); short protein forms D19N, D18N.
Identifiers: ClinVar variation 4760968 (VCV004760968.1).

ClinVar aggregate classification (germline): Uncertain significance (1 of 4 stars; one submission).

Submission:

Labcorp Genetics (formerly Invitae), Labcorp
Classification: Uncertain significance. Last evaluated: 2025-07-21. Review status: criteria provided, single submitter. Criteria: Invitae Variant Classification Sherloc (09022015). Collection method: clinical testing. Allele origin: germline.
Comment: This sequence change replaces aspartic acid, which is acidic and polar, with asparagine, which is neutral and polar, at codon 19 of the PRPF4 protein (p.Asp19Asn). This variant is not present in population databases (gnomAD no frequency). This variant has not been reported in the literature in individuals affected with PRPF4-related conditions. An algorithm developed to predict the effect of missense changes on protein structure and function (PolyPhen-2) suggests that this variant is likely to be disruptive. In summary, the available evidence is currently insufficient to determine the role of this variant in disease. Therefore, it has been classified as a Variant of Uncertain Significance.